The following is an entry in ClinVar:

ClinVar aggregate classification (germline): Benign/Likely benign. Review status: criteria provided, multiple submitters, no conflicts (2 of 4 stars). 5 submissions from 5 submitters: Benign (1); Likely benign (4). Last evaluated 2025-01-30.

Conditions:
Hereditary nonpolyposis colorectal neoplasms. Identifiers: MedGen C0009405, MeSH D003123.
Hereditary cancer-predisposing syndrome. Also called: Hereditary neoplastic syndrome; Neoplastic Syndromes, Hereditary; Tumor predisposition; Hereditary Cancer Syndrome. Identifiers: Orphanet 140162, MedGen C0027672, MeSH D009386, MONDO:0015356.
Lynch syndrome 5 (LYNCH5). Also called: Hereditary non-polyposis colorectal cancer, type 5; Colorectal cancer, hereditary nonpolyposis, type 5. Identifiers: Orphanet 144, MedGen C1833477, MONDO:0013710, OMIM 614350. Disease mechanism: loss of function.

Allele frequency attached by ClinVar (database versions not stated): gnomAD 0.00003; gnomAD exomes 0.00003 and 0.00005; ExAC 0.00006.
gnomAD v4.1: 28 of 1,578,436 alleles (0.0018%); highest among the groups gnomAD compares: Non-Finnish European, 0.00026%; no homozygotes.

Submissions (5):

Labcorp Genetics (formerly Invitae), Labcorp
Classification: Likely benign for Hereditary nonpolyposis colorectal neoplasms. Last evaluated: 2025-01-30. Review status: criteria provided, single submitter. Criteria: Invitae Variant Classification Sherloc (09022015). Collection method: clinical testing. Allele origin: germline.

Myriad Genetics, Inc.
Classification: Benign for Lynch syndrome 5. Last evaluated: 2025-01-02. Review status: criteria provided, single submitter. Criteria: Myriad Autosomal Dominant, Autosomal Recessive and X-Linked Classification Criteria (2023). Collection method: clinical testing. Allele origin: unknown.
Comment: This variant is considered benign. This variant is a silent/synonymous amino acid change and it is not expected to impact splicing.

Ambry Genetics
Classification: Likely benign for Hereditary cancer-predisposing syndrome. Last evaluated: 2020-11-12. Review status: criteria provided, single submitter. Criteria: Ambry Variant Classification Scheme 2023. Collection method: clinical testing. Allele origin: germline.

Color Diagnostics, LLC DBA Color Health
Classification: Likely benign for Hereditary cancer-predisposing syndrome. Last evaluated: 2016-12-16. Review status: criteria provided, single submitter. Criteria: ACMG Guidelines, 2015. Collection method: clinical testing. Allele origin: germline.

GeneDx
Classification: Likely benign. Last evaluated: 2016-01-06. Review status: criteria provided, single submitter. Criteria: GeneDx Variant Classification (06012015). Collection method: clinical testing. Allele origin: germline. Affected: yes.
Comment: This variant is considered likely benign or benign based on one or more of the following criteria: it is a conservative change, it occurs at a poorly conserved position in the protein, it is predicted to be benign by multiple in silico algorithms, and/or has population frequency not consistent with disease.

NM_000179.3(MSH6):c.2946T>G (p.Pro982=)

Gene: MSH6 (mutS homolog 6; plus strand). Cytogenetic location: 2p16.3.
Variant type: single nucleotide variant.
Coding change: c.2946T>G on transcript NM_000179.3 (MANE Select); coding-DNA position 2946, T replaced by G.
Protein change: p.Pro982=; no amino-acid change (proline 982 retained).
Molecular consequence: synonymous variant.
Genome position (GRCh38, 1-based): chr2:47,800,929, T>G. VCF-style: chr2-47800929-T-G. GRCh37 (hg19) VCF-style: chr2-48028068-T-G.
Other names: c.2556T>G, p.Pro852= (NM_001281492.2); c.2040T>G, p.Pro680= (NM_001281493.2, NM_001281494.2).
Identifiers: ClinVar variation 184273 (VCV000184273.16), dbSNP rs751006944, ClinGen allele CA011166.